The following is an entry in ClinVar:

NM_020987.5(ANK3):c.9785C>T (p.Ala3262Val)

Gene: ANK3 (ankyrin 3; minus strand). Cytogenetic location: 10q21.2.
Variant type: single nucleotide variant.
Coding change: c.9785C>T on transcript NM_020987.5 (MANE Select); coding-DNA position 9785, C replaced by T.
Protein change: p.Ala3262Val; replaces alanine 3262 with valine.
Molecular consequence: missense variant. On other transcripts: intron variant (4).
Genome position (GRCh38, 1-based): chr10:60,071,096, G>A on the plus strand (C>T on the coding strand, the complement: ANK3 is on the minus strand). VCF-style: chr10-60071096-G-A. GRCh37 (hg19) VCF-style: chr10-61830854-G-A.
Other names: c.4388-3087C>T (NM_001204403.2); c.4409-3087C>T (NM_001204404.2); c.4406-3087C>T (NM_001320874.2); c.1808-3087C>T (NM_001149.4); c.9785C>T (NM_020987.3); short protein forms A3262V.
Identifiers: ClinVar variation 1336430 (VCV001336430.8), dbSNP rs752186598, ClinGen allele CA5511335.

ClinVar aggregate classification (germline): Uncertain significance. Review status: criteria provided, multiple submitters, no conflicts (2 of 4 stars). 3 submissions from 3 submitters: Uncertain significance (3). Last evaluated 2026-05-19.

Conditions:
Inborn genetic diseases. Identifiers: MedGen C0950123, MeSH D030342.

Allele frequency attached by ClinVar (database versions not stated): TOPMed 0.00002; gnomAD exomes 0.00001; gnomAD 0.00001; ExAC 0.00002.
gnomAD v4.1: 19 of 1,613,964 alleles (0.0012%); highest among the groups gnomAD compares: African/African-American, 0.0067%; no homozygotes.

Submissions (3):

Ambry Genetics
Classification: Uncertain significance for Inborn genetic diseases. Last evaluated: 2026-05-19. Review status: criteria provided, single submitter. Criteria: Ambry Variant Classification Scheme 2023. Collection method: clinical testing. Allele origin: germline.

Labcorp Genetics (formerly Invitae), Labcorp
Classification: Uncertain significance. Last evaluated: 2024-03-11. Review status: criteria provided, single submitter. Criteria: Invitae Variant Classification Sherloc (09022015). Collection method: clinical testing. Allele origin: germline.
Comment: This sequence change replaces alanine, which is neutral and non-polar, with valine, which is neutral and non-polar, at codon 3262 of the ANK3 protein (p.Ala3262Val). This variant is present in population databases (rs752186598, gnomAD 0.007%). This variant has not been reported in the literature in individuals affected with ANK3-related conditions. ClinVar contains an entry for this variant (Variation ID: 1336430). Advanced modeling of protein sequence and biophysical properties (such as structural, functional, and spatial information, amino acid conservation, physicochemical variation, residue mobility, and thermodynamic stability) performed at Invitae indicates that this missense variant is not expected to disrupt ANK3 protein function with a negative predictive value of 80%. In summary, the available evidence is currently insufficient to determine the role of this variant in disease. Therefore, it has been classified as a Variant of Uncertain Significance.

Genetic Services Laboratory, University of Chicago
Classification: Uncertain significance. Last evaluated: 2019-05-20. Review status: criteria provided, single submitter. Criteria: ACMG Guidelines, 2015. Collection method: clinical testing. Allele origin: germline. Affected: no.